The following is an entry in ClinVar:

ClinVar aggregate classification (germline): Uncertain significance (1 of 4 stars; one submission).

Conditions:
Hereditary cancer-predisposing syndrome. Also called: Neoplastic Syndromes, Hereditary; Tumor predisposition; Hereditary neoplastic syndrome; Hereditary Cancer Syndrome. Identifiers: Orphanet 140162, MedGen C0027672, MeSH D009386, MONDO:0015356.

Submission:

Ambry Genetics
Classification: Uncertain significance for Hereditary cancer-predisposing syndrome. Last evaluated: 2024-06-08. Review status: criteria provided, single submitter. Criteria: Ambry Variant Classification Scheme 2023. Collection method: clinical testing. Allele origin: germline.
Comment: The p.Y1241C variant (also known as c.3722A>G), located in coding exon 22 of the PTCH1 gene, results from an A to G substitution at nucleotide position 3722. The tyrosine at codon 1241 is replaced by cysteine, an amino acid with highly dissimilar properties. This amino acid position is conserved. In addition, the in silico prediction for this alteration is inconclusive. Based on the available evidence, the clinical significance of this variant remains unclear.

NM_000264.5(PTCH1):c.3722A>G (p.Tyr1241Cys)

Gene: PTCH1 (patched 1; minus strand). Cytogenetic location: 9q22.32.
Variant type: single nucleotide variant.
Coding change: c.3722A>G on transcript NM_000264.5 (MANE Select); coding-DNA position 3722, A replaced by G.
Protein change: p.Tyr1241Cys; replaces tyrosine 1241 with cysteine.
Molecular consequence: missense variant. On other transcripts: non-coding transcript variant (1).
Genome position (GRCh38, 1-based): chr9:95,449,151, T>C on the plus strand (A>G on the coding strand, the complement: PTCH1 is on the minus strand). VCF-style: chr9-95449151-T-C. GRCh37 (hg19) VCF-style: chr9-98211433-T-C.
Other names: c.3269A>G, p.Tyr1090Cys (NM_001083605.3, NM_001083606.3, NM_001083607.3 and 1 more transcripts); c.3566A>G, p.Tyr1189Cys (NM_001354918.2); c.3524A>G, p.Tyr1175Cys (NM_001083602.3); c.3719A>G, p.Tyr1240Cys (NM_001083603.3); short protein forms Y1175C, Y1240C, Y1189C, Y1090C, Y1241C.
Identifiers: ClinVar variation 3311195 (VCV003311195.1).
Genomic context (GRCh38, chr9:95,449,151, plus strand): 5'-TTTTCTGTGGCTTCCACGATCACTTGGTGGGCAGGGCCTCCCGCGCCCTGCTGGGCCTCG[T>C]AGTGCCGAAGCTCCTCGCTGAGGCCTGACACTGTCGTCTGGGAACTATACTCCGAGTCGG-3'
Protein context (NP_000255.2, residues 1231-1251): VSGLSEELRH[Tyr1241Cys]EAQQGAGGPA